The following is an entry in ClinVar:

ClinVar aggregate classification (germline): Uncertain significance (1 of 4 stars; one submission).

Conditions:
Tumor predisposition syndrome 3 (TPDS3). Also called: Melanoma, cutaneous malignant, susceptibility to, 10; Glioma susceptibility 9; LONG TELOMERE SYNDROME, POT1-RELATED; POT1 Tumor Predisposition. Identifiers: Orphanet 618, MedGen C4014476, MONDO:0014368, OMIM 615848.

Allele frequency attached by ClinVar (database versions not stated): gnomAD exomes below 0.00001.
gnomAD v4.1: 1 of 1,607,582 alleles (0.000062%); highest among the groups gnomAD compares: Non-Finnish European, 0.000085%; no homozygotes.

Submission:

Labcorp Genetics (formerly Invitae), Labcorp
Classification: Uncertain significance for Tumor predisposition syndrome 3. Last evaluated: 2024-02-22. Review status: criteria provided, single submitter. Criteria: Invitae Variant Classification Sherloc (09022015). Collection method: clinical testing. Allele origin: germline.
Comment: This sequence change falls in intron 10 of the POT1 gene. It does not directly change the encoded amino acid sequence of the POT1 protein. It affects a nucleotide within the consensus splice site. This variant is not present in population databases (gnomAD no frequency). This variant has not been reported in the literature in individuals affected with POT1-related conditions. ClinVar contains an entry for this variant (Variation ID: 2095411). Variants that disrupt the consensus splice site are a relatively common cause of aberrant splicing (PMID: 17576681, 9536098). Algorithms developed to predict the effect of sequence changes on RNA splicing suggest that this variant is not likely to affect RNA splicing. In summary, the available evidence is currently insufficient to determine the role of this variant in disease. Therefore, it has been classified as a Variant of Uncertain Significance.

Literature cited by the submitters: PubMed 17576681; PubMed 9536098.

NM_015450.3(POT1):c.869+6C>A

Gene: POT1 (protection of telomeres 1; minus strand). Cytogenetic location: 7q31.33.
Variant type: single nucleotide variant.
Coding change: c.869+6C>A on transcript NM_015450.3 (MANE Select); 6 bases into the intron after coding-DNA position 869, C replaced by A.
Molecular consequence: intron variant.
Genome position (GRCh38, 1-based): chr7:124,852,966, G>T on the plus strand (C>A on the coding strand, the complement: POT1 is on the minus strand). VCF-style: chr7-124852966-G-T. GRCh37 (hg19) VCF-style: chr7-124493020-G-T.
Other names: c.476+6C>A (NM_001042594.2).
Identifiers: ClinVar variation 2095411 (VCV002095411.4), dbSNP rs751394682, ClinGen allele CA2580076441.
Genomic context (GRCh38, chr7:124,852,966, plus strand): 5'-CAATATTATCTTAGAAATCGGCTTAATCGATACCTTATTTACATTTTCTAAATACTAAAA[G>T]CTTACTTTTTCAGTTGATCCACATCAGAGTTACTTTCTGGCAAGACCCTGATTCCCCGAC-3'